The following is an entry in ClinVar:

ClinVar aggregate classification (germline): Pathogenic/Likely pathogenic. Review status: criteria provided, multiple submitters, no conflicts (2 of 4 stars). 19 submissions from 19 submitters: Pathogenic (16); Likely pathogenic (1). 2 of the submissions do not count toward it. Last evaluated 2026-08-01.

Conditions:
PIGV-related disorder. Also called: PIGV-related condition; PIGV-related disorders.
Inborn genetic diseases. Identifiers: MedGen C0950123, MeSH D030342.
Hyperphosphatasia-intellectual disability syndrome. Also called: Hyperphosphatasia with mental retardation syndrome. Identifiers: Orphanet 247262, MedGen C1855923, MONDO:0016596.
Hyperphosphatasia with impaired intellectual development syndrome 1. Also called: MABRY SYNDROME; GLYCOSYLPHOSPHATIDYLINOSITOL BIOSYNTHESIS DEFECT 2; Hyperphosphatasia with intellectual disability syndrome 1. Identifiers: Orphanet 247262, MedGen C4551502, MONDO:0009398, OMIM 239300.

Allele frequency attached by ClinVar (database versions not stated): gnomAD exomes 0.00009 and 0.00012; ExAC 0.00015; TOPMed 0.00016; gnomAD 0.00013 and 0.00014; ESP Exome Variant Server 0.00023.

Submissions 1 to 12 of 19:

CeGaT Center for Human Genetics Tuebingen
Classification: Pathogenic. Last evaluated: 2026-08-01. Review status: criteria provided, single submitter. Criteria: CeGaT Center For Human Genetics Tuebingen Variant Classification Criteria Version 2. Collection method: clinical testing. Allele origin: germline. Affected: yes. Observed: 5 variant alleles.
Comment: PIGV: PP1:Strong, PM2, PM3, PS3:Moderate, PM5:Supporting, PP4

Labcorp Genetics (formerly Invitae), Labcorp
Classification: Pathogenic. Last evaluated: 2025-06-22. Review status: criteria provided, single submitter. Criteria: Invitae Variant Classification Sherloc (09022015). Collection method: clinical testing. Allele origin: germline.
Comment: This sequence change replaces alanine, which is neutral and non-polar, with glutamic acid, which is acidic and polar, at codon 341 of the PIGV protein (p.Ala341Glu). This variant is present in population databases (rs139073416, gnomAD 0.02%). This missense change has been observed in individuals with hyperphosphatasia mental retardation syndrome (PMID: 20802478, 28688840). It has also been observed to segregate with disease in related individuals. ClinVar contains an entry for this variant (Variation ID: 1284). Invitae Evidence Modeling of protein sequence and biophysical properties (such as structural, functional, and spatial information, amino acid conservation, physicochemical variation, residue mobility, and thermodynamic stability) indicates that this missense variant is expected to disrupt PIGV protein function with a positive predictive value of 95%. Experimental studies have shown that this missense change affects PIGV function (PMID: 20802478). For these reasons, this variant has been classified as Pathogenic.

3billion
Classification: Pathogenic for Hyperphosphatasia with impaired intellectual development syndrome 1. Last evaluated: 2025-04-15. Review status: criteria provided, single submitter. Criteria: ACMG Guidelines, 2015. Collection method: clinical testing. Allele origin: germline. Affected: yes.
Comment: The variant is observed at an extremely low frequency in the gnomAD v4.1.0 dataset (total allele frequency: 0.009%). Predicted Consequence/Location: Missense variant In silico tool predictions suggest damaging effect of the variant on gene or gene product [REVEL: 0.83 (>=0.6, sensitivity 0.68 and specificity 0.92); 3Cnet: 0.99 (> 0.75, sensitivity 0.96 and precision 0.92)]. The same nucleotide change resulting in the same amino acid change has been previously reported as pathogenic/likely pathogenic with strong evidence (ClinVar ID: VCV000001284 / 3billion dataset). The variant has been reported to be in trans with a pathogenic variant as either compound heterozygous or homozygous in at least 2 similarly affected unrelated individuals (PMID: 20802478, 24129430). A different missense change at the same codon (p.Ala341Val) has been reported to be associated with PIGV-related disorder (ClinVar ID: VCV000001287). Therefore, this variant is classified as Pathogenic according to the recommendation of ACMG/AMP guideline.

Institute of Human Genetics, University of Leipzig Medical Center
Classification: Pathogenic for Hyperphosphatasia with impaired intellectual development syndrome 1. Last evaluated: 2024-11-11. Review status: criteria provided, single submitter. Criteria: ACMG Guidelines, 2015. Collection method: clinical testing. Allele origin: unknown. Inheritance: Autosomal recessive inheritance. Affected: yes.
Comment: Criteria applied: PS3,PM3,PM5,PM2_SUP,PP3

Blueprint Genetics
Classification: Pathogenic for PIGV-related disorders. Last evaluated: 2024-09-18. Review status: criteria provided, single submitter. Criteria: ACMG Guidelines, 2015. Collection method: clinical testing. Allele origin: germline. Affected: yes. Observed: 5 variant alleles.

Greenwood Genetic Center Diagnostic Laboratories, Greenwood Genetic Center
Classification: Pathogenic for Hyperphosphatasia with impaired intellectual development syndrome 1. Last evaluated: 2023-09-15. Review status: criteria provided, single submitter. Criteria: ACMG Guidelines, 2015. Collection method: clinical testing. Allele origin: germline. Affected: yes.
Comment: PS3, PM3_strong, PM2, PM5_supporting

Department of Clinical Genetics, Medical University of Lodz
Classification: Pathogenic for Hyperphosphatasia with impaired intellectual development syndrome 1. Last evaluated: 2023-07-27. Review status: criteria provided, single submitter. Criteria: ACMG Guidelines, 2015. Collection method: literature only. Allele origin: biparental. Inheritance: Autosomal recessive inheritance. Affected: yes. Observed: 1 variant allele.

Department of Human Genetics, Hannover Medical School
Classification: Pathogenic for Hyperphosphatasia with impaired intellectual development syndrome 1. Last evaluated: 2023-02-02. Review status: criteria provided, single submitter. Criteria: ACMG Guidelines, 2015. Collection method: clinical testing. Allele origin: germline. Inheritance: Autosomal recessive inheritance. Affected: yes.

GeneDx
Classification: Pathogenic. Last evaluated: 2022-01-13. Review status: criteria provided, single submitter. Criteria: GeneDx Variant Classification Process June 2021. Collection method: clinical testing. Allele origin: germline. Affected: yes.
Comment: Published functional studies demonstrate a damaging effect (Krawitz et al., 2010; Murakami et al., 2012); This variant is associated with the following publications: (PMID: 20802478, 22228761, 24129430, 22315194, 21739589, 28688840, 31980526, 33402532, 31589614, 33144682)

Fulgent Genetics
Classification: Pathogenic for Hyperphosphatasia with impaired intellectual development syndrome 1. Last evaluated: 2021-12-30. Review status: criteria provided, single submitter. Criteria: ACMG Guidelines, 2015. Collection method: clinical testing. Allele origin: unknown.

Institute of Medical Genetics and Applied Genomics, University Hospital Tübingen
Classification: Pathogenic. Last evaluated: 2020-10-23. Review status: criteria provided, single submitter. Criteria: ACMG Guidelines, 2015. Collection method: clinical testing. Allele origin: germline. Inheritance: Unknown mechanism. Affected: yes.

Illumina Laboratory Services, Illumina
Classification: Pathogenic for Hyperphosphatasia with impaired intellectual development syndrome 1. Last evaluated: 2019-01-11. Review status: criteria provided, single submitter. Criteria: ICSL Variant Classification Criteria 09 May 2019. Collection method: clinical testing. Allele origin: germline.
Comment: Across a selection of the literature, the PIGV c.1022C>A (p.Ala341Glu) missense variant was observed in a total of 17 individuals with hyperphosphatasia with mental retardation syndrome, including in nine in a homozygous state (three of whom were related) and in eight in a compound heterozygous state (two of whom were related). The p.Ala341Glu variant was absent from 350 controls and 4,000 exomes (Krawitz et al. 2010; Horn et al. 2011; Thompson et al. 2012; Horn et al. 2014). The variant is reported at a frequency of 0.000349 in the European American population of the Exome Sequencing Project. Functional studies by Krawitz et al. (2010) showed that PIGV-deficient CHO cells transfected with wild type PIGV were able to restore surface expression of marker proteins, but that cells carrying the p.Ala341Glu variant were unable to restore expression. Murakami et al. (2012) produced similar results, and also demonstrated that expression of the p.Ala341Glu variant protein was drastically reduced as compared to wild type. The highest allele frequency reported in the Exome Sequencing Project is 0.00035 in the European American population. Based on the collective evidence, the p.Ala341Glu variant is classified as pathogenic for hyperphosphatasia with intellectual disability syndrome. This variant was observed by ICSL as part of a predisposition screen in an ostensibly healthy population.

NM_017837.4(PIGV):c.1022C>A (p.Ala341Glu)

Gene: PIGV (phosphatidylinositol glycan anchor biosynthesis class V; plus strand). Cytogenetic location: 1p36.11.
Variant type: single nucleotide variant.
Coding change: c.1022C>A on transcript NM_017837.4 (MANE Select); coding-DNA position 1022, C replaced by A.
Protein change: p.Ala341Glu; replaces alanine 341 with glutamic acid.
Molecular consequence: missense variant. On other transcripts: non-coding transcript variant (1), intron variant (1).
Genome position (GRCh38, 1-based): chr1:26,795,056, C>A. VCF-style: chr1-26795056-C-A. GRCh37 (hg19) VCF-style: chr1-27121547-C-A.
Other names: c.1022C>A, p.Ala341Glu (NM_001202554.2, NM_001374478.1, NM_001374480.1 and 2 more transcripts); c.641C>A, p.Ala214Glu (NM_001374483.1); c.395C>A, p.Ala132Glu (NM_001374484.1, NM_001374485.1); c.79-2507C>A (NM_001374486.1); short protein forms A341E, A132E, A214E.
Identifiers: ClinVar variation 1284 (VCV000001284.45), dbSNP rs139073416, ClinGen allele CA114900.